The following is an entry in ClinVar:

ClinVar aggregate classification (germline): Uncertain significance. Review status: criteria provided, multiple submitters, no conflicts (2 of 4 stars). 2 submissions from 2 submitters: Uncertain significance (2). Last evaluated 2025-02-23.

Allele frequency attached by ClinVar (database versions not stated): gnomAD 0.00001; TOPMed 0.00001; gnomAD exomes 0.00002 and 0.00003.
gnomAD v4.1: 47 of 1,613,550 alleles (0.0029%); highest among the groups gnomAD compares: Non-Finnish European, 0.0036%; no homozygotes.

Submissions (2):

Labcorp Genetics (formerly Invitae), Labcorp
Classification: Uncertain significance. Last evaluated: 2025-02-23. Review status: criteria provided, single submitter. Criteria: Invitae Variant Classification Sherloc (09022015). Collection method: clinical testing. Allele origin: germline.
Comment: This sequence change replaces isoleucine, which is neutral and non-polar, with threonine, which is neutral and polar, at codon 300 of the ARHGEF18 protein (p.Ile300Thr). This variant is present in population databases (no rsID available, gnomAD 0.004%). This variant has not been reported in the literature in individuals affected with ARHGEF18-related conditions. ClinVar contains an entry for this variant (Variation ID: 1038139). An algorithm developed to predict the effect of missense changes on protein structure and function (PolyPhen-2) suggests that this variant is likely to be tolerated. In summary, the available evidence is currently insufficient to determine the role of this variant in disease. Therefore, it has been classified as a Variant of Uncertain Significance.

Blueprint Genetics
Classification: Uncertain significance. Last evaluated: 2024-10-11. Review status: criteria provided, single submitter. Criteria: ACMG Guidelines, 2015. Collection method: clinical testing. Allele origin: germline.

NM_001367823.1(ARHGEF18):c.1463T>C (p.Ile488Thr)

Gene: ARHGEF18 (Rho/Rac guanine nucleotide exchange factor 18; plus strand). Cytogenetic location: 19p13.2.
Variant type: single nucleotide variant.
Coding change: c.1463T>C on transcript NM_001367823.1 (MANE Select); coding-DNA position 1463, T replaced by C.
Protein change: p.Ile488Thr; replaces isoleucine 488 with threonine.
Molecular consequence: missense variant.
Genome position (GRCh38, 1-based): chr19:7,444,306, T>C. VCF-style: chr19-7444306-T-C. GRCh37 (hg19) VCF-style: chr19-7509192-T-C.
Other names: c.737T>C, p.Ile246Thr (NM_001130955.2); c.425T>C, p.Ile142Thr (NM_001367824.1, NM_015318.4); short protein forms I246T, I488T, I142T.
Identifiers: ClinVar variation 1038139 (VCV001038139.9), dbSNP rs1047493254, ClinGen allele CA304885371.